The following is an entry in ClinVar:

ClinVar aggregate classification (germline): Uncertain significance (1 of 4 stars; one submission).

Allele frequency attached by ClinVar (database versions not stated): ExAC 0.00001; gnomAD exomes 0.00002 and 0.00005; gnomAD 0.00004 and 0.00005; TOPMed 0.00005; ESP Exome Variant Server 0.00008.
gnomAD v4.1: 80 of 1,613,766 alleles (0.005%); highest among the groups gnomAD compares: Non-Finnish European, 0.0058%; no homozygotes.

Submission:

Labcorp Genetics (formerly Invitae), Labcorp
Classification: Uncertain significance. Last evaluated: 2025-11-23. Review status: criteria provided, single submitter. Criteria: Invitae Variant Classification Sherloc (09022015). Collection method: clinical testing. Allele origin: germline.
Comment: This sequence change replaces aspartic acid, which is acidic and polar, with asparagine, which is neutral and polar, at codon 2148 of the PCLO protein (p.Asp2148Asn). This variant is present in population databases (rs374966632, gnomAD 0.003%). This variant has not been reported in the literature in individuals affected with PCLO-related conditions. ClinVar contains an entry for this variant (Variation ID: 1350626). An algorithm developed to predict the effect of missense changes on protein structure and function outputs the following: PolyPhen-2: "Not Available". The asparagine amino acid residue is found in multiple mammalian species, which suggests that this missense change does not adversely affect protein function. In summary, the available evidence is currently insufficient to determine the role of this variant in disease. Therefore, it has been classified as a Variant of Uncertain Significance.

NM_033026.6(PCLO):c.6442G>A (p.Asp2148Asn)

Gene: PCLO (piccolo presynaptic cytomatrix protein; minus strand). Cytogenetic location: 7q21.11.
Variant type: single nucleotide variant.
Coding change: c.6442G>A on transcript NM_033026.6 (MANE Select); coding-DNA position 6442, G replaced by A.
Protein change: p.Asp2148Asn; replaces aspartic acid 2148 with asparagine.
Molecular consequence: missense variant.
Genome position (GRCh38, 1-based): chr7:82,954,511, C>T on the plus strand (G>A on the coding strand, the complement: PCLO is on the minus strand). VCF-style: chr7-82954511-C-T. GRCh37 (hg19) VCF-style: chr7-82583827-C-T.
Other names: c.6442G>A, p.Asp2148Asn (NM_014510.3); short protein forms D2148N.
Identifiers: ClinVar variation 1350626 (VCV001350626.6), dbSNP rs374966632, ClinGen allele CA4320471.